The following is an entry in ClinVar:

ClinVar aggregate classification (germline): Pathogenic (0 of 4 stars; one submission).

Conditions:
Chromosome 17q12 deletion syndrome. Identifiers: Orphanet 261265, MedGen C3281138, MONDO:0013797, OMIM 614527.

Submission:

GeneReviews
Classification: Pathogenic for Chromosome 17q12 deletion syndrome. Last evaluated: 2016-02-09. Review status: no assertion criteria provided. Collection method: literature only. Allele origin: germline. Affected: yes.
Comment: This deletion spans a minimum of 1.4 Mb of genomic sequence at approximately chr17: 34,815,072-36,192,492 in reference genome GRCh37/hg19.

Literature cited by the submitters: PubMed 17924346; PubMed 21055719.

GRCh37/hg19 17q12(chr17:34815072-36192492)x1

Genes: DUSP14 (dual specificity phosphatase 14; plus strand), DHRS11 (dehydrogenase/reductase 11; plus strand), C17orf78 (chromosome 17 open reading frame 78; plus strand), DDX52 (DExD-box helicase 52; minus strand), GGNBP2 (gametogenetin binding protein 2; plus strand) and 10 more. Cytogenetic location: 17q12.
Variant type: Deletion.
Change: copy number 1 (one copy instead of two) of chr17:34,815,072-36,192,492 (1.38 Mb, GRCh37 coordinates, 1-based), cytogenetic band 17q12.
Other names: del(17)(q12); GRCh37/hg19 chr17:34815072-36192492; seq[GRCh37]del(17)(q12)chr17:g.34815072_36192492del.
Identifiers: ClinVar variation 375218 (VCV000375218.1).